The following is an entry in ClinVar:

NC_000006.11:g.(?_65327291)_(65336158_?)dup

Gene: EYS (eyes shut homolog; minus strand). Cytogenetic location: 6q12.
Variant type: Duplication.
Identifiers: ClinVar variation 2423858 (VCV002423858.4).

ClinVar aggregate classification (germline): Likely pathogenic (1 of 4 stars; one submission).

Submission:

Labcorp Genetics (formerly Invitae), Labcorp
Classification: Likely pathogenic. Last evaluated: 2022-11-29. Review status: criteria provided, single submitter. Criteria: Invitae Variant Classification Sherloc (09022015). Collection method: clinical testing. Allele origin: germline.
Comment: In summary, the currently available evidence indicates that the variant is pathogenic, but additional data are needed to prove that conclusively. Therefore, this variant has been classified as Likely Pathogenic. This variant has not been reported in the literature in individuals affected with EYS-related conditions. This variant results in a copy number gain of the genomic region encompassing exon(s) 23-24 of the EYS gene. While the exact position of this variant cannot be determined from the data, sub-genic copy number gains are generally in tandem (PMID: 25640679). This variant is predicted to be out-of-frame, and may result in an absent or disrupted protein product. Loss-of-function variants in EYS are known to be pathogenic (PMID: 18836446, 20333770).

Literature cited by the submitters: PubMed 25640679; PubMed 18836446; PubMed 20333770.